The following is an entry in ClinVar:

ClinVar aggregate classification (germline): Likely benign. Review status: criteria provided, multiple submitters, no conflicts (2 of 4 stars). 3 submissions from 3 submitters: Likely benign (3). Last evaluated 2024-09-02.

Allele frequency attached by ClinVar (database versions not stated): gnomAD 0.00003; gnomAD exomes 0.00004; TOPMed 0.00004; ExAC 0.00006.
gnomAD v4.1: 60 of 1,613,676 alleles (0.0037%); highest among the groups gnomAD compares: South Asian, 0.022%; no homozygotes.

Submissions (3):

Blueprint Genetics
Classification: Likely benign. Last evaluated: 2024-09-02. Review status: criteria provided, single submitter. Criteria: ACMG Guidelines, 2015. Collection method: clinical testing. Allele origin: germline.

CeGaT Center for Human Genetics Tuebingen
Classification: Likely benign. Last evaluated: 2023-03-01. Review status: criteria provided, single submitter. Criteria: CeGaT Center For Human Genetics Tuebingen Variant Classification Criteria Version 2. Collection method: clinical testing. Allele origin: germline. Affected: yes. Observed: 1 variant allele.
Comment: CACNA1G: BP4, BP7

Labcorp Genetics (formerly Invitae), Labcorp
Classification: Likely benign. Last evaluated: 2022-10-25. Review status: criteria provided, single submitter. Criteria: Invitae Variant Classification Sherloc (09022015). Collection method: clinical testing. Allele origin: germline.

NM_018896.5(CACNA1G):c.4863C>T (p.Ile1621=)

Gene: CACNA1G (calcium voltage-gated channel subunit alpha1 G; plus strand). Cytogenetic location: 17q21.33.
Variant type: single nucleotide variant.
Coding change: c.4863C>T on transcript NM_018896.5 (MANE Select); coding-DNA position 4863, C replaced by T.
Protein change: p.Ile1621=; no amino-acid change (isoleucine 1621 retained).
Molecular consequence: synonymous variant. On other transcripts: non-coding transcript variant (5).
Genome position (GRCh38, 1-based): chr17:50,615,464, C>T. VCF-style: chr17-50615464-C-T. GRCh37 (hg19) VCF-style: chr17-48692825-C-T.
Other names: c.4809C>T, p.Ile1603= (NM_001256324.2, NM_001256328.2, NM_198386.3); c.4884C>T, p.Ile1628= (NM_001256325.2); c.4728C>T, p.Ile1576= (NM_001256326.2, NM_001256330.2); c.4863C>T, p.Ile1621= (NM_001256327.2, NM_001256333.2, NM_198384.3 and 1 more transcripts); c.4761C>T, p.Ile1587= (NM_001256329.2, NM_198376.3, NM_198379.3 and 2 more transcripts); c.4707C>T, p.Ile1569= (NM_001256331.2); c.4692C>T, p.Ile1564= (NM_001256332.2); c.4830C>T, p.Ile1610= (NM_001256334.2, NM_198377.3, NM_198378.3 and 1 more transcripts); and 5 more.
Identifiers: ClinVar variation 2084061 (VCV002084061.29), dbSNP rs747990908, ClinGen allele CA8653213.